The following is an entry in ClinVar:

ClinVar aggregate classification (germline): Uncertain significance (1 of 4 stars; one submission).

Conditions:
Hereditary cancer-predisposing syndrome. Also called: Neoplastic Syndromes, Hereditary; Tumor predisposition; Hereditary neoplastic syndrome; Hereditary Cancer Syndrome. Identifiers: Orphanet 140162, MedGen C0027672, MeSH D009386, MONDO:0015356.

Submission:

Ambry Genetics
Classification: Uncertain significance for Hereditary cancer-predisposing syndrome. Last evaluated: 2023-12-28. Review status: criteria provided, single submitter. Criteria: Ambry Variant Classification Scheme 2023. Collection method: clinical testing. Allele origin: germline.
Comment: The p.T53K variant (also known as c.158C>A), located in coding exon 3 of the POT1 gene, results from a C to A substitution at nucleotide position 158. The threonine at codon 53 is replaced by lysine, an amino acid with similar properties. This amino acid position is not well conserved in available vertebrate species. In addition, this alteration is predicted to be tolerated by in silico analysis. Since supporting evidence is limited at this time, the clinical significance of this alteration remains unclear.

NM_015450.3(POT1):c.158C>A (p.Thr53Lys)

Gene: POT1 (protection of telomeres 1; minus strand). Cytogenetic location: 7q31.33.
Variant type: single nucleotide variant.
Coding change: c.158C>A on transcript NM_015450.3 (MANE Select); coding-DNA position 158, C replaced by A.
Protein change: p.Thr53Lys; replaces threonine 53 with lysine.
Molecular consequence: missense variant. On other transcripts: non-coding transcript variant (3), intron variant (1).
Genome position (GRCh38, 1-based): chr7:124,871,008, G>T on the plus strand (C>A on the coding strand, the complement: POT1 is on the minus strand). VCF-style: chr7-124871008-G-T. GRCh37 (hg19) VCF-style: chr7-124511062-G-T.
Other names: c.-138-7368C>A (NM_001042594.2); short protein forms T53K.
Identifiers: ClinVar variation 3226662 (VCV003226662.1), dbSNP rs2116567708, ClinGen allele CA369061622.